The following is an entry in ClinVar:

ClinVar aggregate classification (germline): Uncertain significance. Review status: criteria provided, multiple submitters, no conflicts (2 of 4 stars). 2 submissions from 2 submitters: Uncertain significance (2). Last evaluated 2024-09-19.

Conditions:
Hereditary cancer-predisposing syndrome. Also called: Neoplastic Syndromes, Hereditary; Tumor predisposition; Hereditary Cancer Syndrome; Hereditary neoplastic syndrome. Identifiers: Orphanet 140162, MedGen C0027672, MeSH D009386, MONDO:0015356.

Submissions (2):

Ambry Genetics
Classification: Uncertain significance for Hereditary cancer-predisposing syndrome. Last evaluated: 2024-09-19. Review status: criteria provided, single submitter. Criteria: Ambry Variant Classification Scheme 2023. Collection method: clinical testing. Allele origin: germline.
Comment: The p.A563T variant (also known as c.1687G>A), located in coding exon 11 of the CDH1 gene, results from a G to A substitution at nucleotide position 1687. The alanine at codon 563 is replaced by threonine, an amino acid with similar properties. This variant was not reported in population based cohorts in the following databases: Database of Single Nucleotide Polymorphisms (dbSNP), NHLBI Exome Sequencing Project (ESP), and 1000 Genomes Project. In the ESP, this variant was not observed in 6498 samples (12996 alleles) with coverage at this position. To date, this alteration has been detected with an allele frequency of approximately 0.001% (greater than 175000 alleles tested) in our clinical cohort.This amino acid position is well conserved in available vertebrate species. In addition, this alteration is predicted to be tolerated by in silico analysis. Since supporting evidence is limited at this time, the clinical significance of p.A563T remains unclear.

Color Diagnostics, LLC DBA Color Health
Classification: Uncertain significance for Hereditary cancer-predisposing syndrome. Last evaluated: 2023-08-30. Review status: criteria provided, single submitter. Criteria: ACMG Guidelines, 2015. Collection method: clinical testing. Allele origin: germline.
Comment: This missense variant replaces alanine with threonine at codon 563 of the CDH1 protein. To our knowledge, functional studies have not been reported for this variant. This variant has not been reported in individuals affected with CDH1-related disorders in the literature. This variant has not been identified in the general population by the Genome Aggregation Database (gnomAD). The available evidence is insufficient to determine the role of this variant in disease conclusively. Therefore, this variant is classified as a Variant of Uncertain Significance.

NM_004360.5(CDH1):c.1687G>A (p.Ala563Thr)

Gene: CDH1 (cadherin 1; plus strand). Cytogenetic location: 16q22.1.
Variant type: single nucleotide variant.
Coding change: c.1687G>A on transcript NM_004360.5 (MANE Select); coding-DNA position 1687, G replaced by A.
Protein change: p.Ala563Thr; replaces alanine 563 with threonine.
Molecular consequence: missense variant. On other transcripts: intron variant (1).
Genome position (GRCh38, 1-based): chr16:68,819,401, G>A. VCF-style: chr16-68819401-G-A. GRCh37 (hg19) VCF-style: chr16-68853304-G-A.
Other names: c.1687G>A (LRG_301t1); c.1504G>A, p.Ala502Thr (NM_001317184.2); c.139G>A, p.Ala47Thr (NM_001317185.2); c.-254-2600G>A (NM_001317186.2); short protein forms A563T, A47T, A502T.
Identifiers: ClinVar variation 481681 (VCV000481681.11), dbSNP rs587782044, ClinGen allele CA396465379.